The following is an entry in ClinVar:

NM_024312.5(GNPTAB):c.888del (p.Thr296_Ile297insTer)

Gene: GNPTAB (N-acetylglucosamine-1-phosphate transferase subunits alpha and beta; minus strand). Cytogenetic location: 12q23.2.
Variant type: Deletion.
Coding change: c.888del on transcript NM_024312.5 (MANE Select); coding-DNA position 888, one base deleted (C; older notation c.888delC).
Protein change: p.Thr296_Ile297insTer.
Molecular consequence: frameshift variant.
Genome position (GRCh38, 1-based): chr12:101,771,041, G deleted on the plus strand (C on the coding strand, the reverse complement: GNPTAB is on the minus strand); the first of 2 consecutive G bases (chr12:101,771,041-101,771,042); deleting either gives the same sequence. VCF-style (leftmost placement, unchanged base first): chr12-101771040-TG-T. GRCh37 (hg19) VCF-style: chr12-102164818-TG-T.
Identifiers: ClinVar variation 2054961 (VCV002054961.4), dbSNP rs2547961837, ClinGen allele CA2580085727.

ClinVar aggregate classification (germline): Pathogenic (1 of 4 stars; one submission).

Conditions:
Pseudo-Hurler polydystrophy. Also called: MUCOLIPIDOSIS IIIA; ML III; ML III ALPHA/BETA; Type III Mucolipidosis; ML IIIA; Mucolipidosis III Alpha/Beta. Identifiers: Orphanet 423461, Orphanet 577, MedGen C0033788, MONDO:0018931, OMIM 252600.
Mucolipidosis type II. Also called: Mucolipidosis II Alpha/Beta; ML II ALPHA/BETA; Mucolipidosis 2; ML 2; Inclusion cell disease; Leroy Disease. Identifiers: Orphanet 576, MedGen C2673377, MONDO:0009650, OMIM 252500.

Submission:

Labcorp Genetics (formerly Invitae), Labcorp
Classification: Pathogenic for Pseudo-Hurler polydystrophy; Mucolipidosis type II. Last evaluated: 2021-12-23. Review status: criteria provided, single submitter. Criteria: Invitae Variant Classification Sherloc (09022015). Collection method: clinical testing. Allele origin: germline.
Comment: For these reasons, this variant has been classified as Pathogenic. This variant is not present in population databases (gnomAD no frequency). This variant has not been reported in the literature in individuals affected with GNPTAB-related conditions. This sequence change creates a premature translational stop signal (p.Ile297*) in the GNPTAB gene. It is expected to result in an absent or disrupted protein product. Loss-of-function variants in GNPTAB are known to be pathogenic (PMID: 19617216, 25107912).

Literature cited by the submitters: PubMed 19617216; PubMed 25107912.